The following is an entry in ClinVar:

NM_015409.5(EP400):c.6970G>A (p.Glu2324Lys)

Gene: EP400 (E1A binding protein p400; plus strand). Cytogenetic location: 12q24.33.
Variant type: single nucleotide variant.
Coding change: c.6970G>A on transcript NM_015409.5 (MANE Select); coding-DNA position 6970, G replaced by A.
Protein change: p.Glu2324Lys; replaces glutamic acid 2324 with lysine.
Molecular consequence: missense variant.
Genome position (GRCh38, 1-based): chr12:132,045,504, G>A. VCF-style: chr12-132045504-G-A. GRCh37 (hg19) VCF-style: chr12-132530049-G-A.
Other names: short protein forms E2324K.
Identifiers: ClinVar variation 4885690 (VCV004885690.2).

ClinVar aggregate classification (germline): Uncertain significance (1 of 4 stars; one submission).

Submission:

Dasa
Classification: Uncertain significance. Last evaluated: 2025-12-30. Review status: criteria provided, single submitter. Criteria: DASA Assertion Criteria. Collection method: clinical testing. Allele origin: germline.
Comment: NM_015409.5(EP400):c.6970G>A (p.Glu2324Lys) is a missense variant that results in the substitution of glutamic acid with lysine. This variant is rare in population databases. Computational prediction algorithms are consistent with a deleterious effect. The currently available literature and clinical evidence are not sufficient to establish a definitive association between this variant and the reported condition. Therefore, this variant is classified as a variant of uncertain significance.